The following is an entry in ClinVar:

NM_004830.4(MED23):c.780+4T>A

Gene: MED23 (mediator complex subunit 23; minus strand). Cytogenetic location: 6q23.2.
Variant type: single nucleotide variant.
Coding change: c.780+4T>A on transcript NM_004830.4 (MANE Select); 4 bases into the intron after coding-DNA position 780, T replaced by A.
Molecular consequence: intron variant.
Genome position (GRCh38, 1-based): chr6:131,618,403, A>T on the plus strand (T>A on the coding strand, the complement: MED23 is on the minus strand). VCF-style: chr6-131618403-A-T. GRCh37 (hg19) VCF-style: chr6-131939543-A-T.
Other names: c.780+4T>A (NM_001270521.2, NM_015979.4, NM_001270522.2).
Identifiers: ClinVar variation 588842 (VCV000588842.5), dbSNP rs371587600, ClinGen allele CA4000150.
Genomic context (GRCh38, chr6:131,618,403, plus strand): 5'-ATCTTATAATCTAGGTTGAAGACTGTCAGATGGACTAAAAGTGCCATTATATTTAGCAAC[A>T]TACCTTATCATATGGCAAAAGGCCTTTCAAAGGAAAACGAAGAGTAGCAGGATCCAGTTT-3'

ClinVar aggregate classification (germline): Uncertain significance (1 of 4 stars; one submission).

Conditions:
Inborn genetic diseases. Identifiers: MedGen C0950123, MeSH D030342.

Allele frequency attached by ClinVar (database versions not stated): gnomAD exomes 0.00001 and 0.00003; ExAC 0.00004; TOPMed 0.00010; ESP Exome Variant Server 0.00015; gnomAD 0.00016.
gnomAD v4.1: 24 of 1,598,814 alleles (0.0015%); highest among the groups gnomAD compares: African/African-American, 0.029%; no homozygotes.

Submission:

Ambry Genetics
Classification: Uncertain significance for Inborn genetic diseases. Last evaluated: 2017-02-23. Review status: criteria provided, single submitter. Criteria: Ambry Variant Classification Scheme 2023. Collection method: clinical testing. Allele origin: germline.
Comment: The c.780+4T>A intronic variant results from a T to A substitution 4 nucleotides after coding exon 9 in the MED23 gene. This nucleotide position is well conserved in available vertebrate species. Using the BDGP and ESEfinder splice site prediction tools, this alteration is not predicted to have any significant effect on this splice donor site; however, direct evidence is unavailable. Since supporting evidence is limited at this time, the clinical significance of this alteration remains unclear.